The following is an entry in ClinVar:

ClinVar aggregate classification (germline): Conflicting classifications of pathogenicity. Review status: criteria provided, conflicting classifications (1 of 4 stars). 3 submissions from 3 submitters: Uncertain significance (2); Benign (1). Last evaluated 2024-07-01.

Conditions:
Inborn genetic diseases. Identifiers: MedGen C0950123, MeSH D030342.
Pyridoxine-dependent epilepsy (EPEO4). Also called: PYRIDOXINE DEPENDENCY WITH SEIZURES; EPILEPSY, EARLY-ONSET, 4, VITAMIN B6-DEPENDENT; Pyridoxine-Dependent Seizures; Pyridoxine-Dependent Epilepsy - ALDH7A1. Identifiers: Orphanet 3006, MedGen C1849508, MONDO:0009945, OMIM 266100. Disease mechanism: loss of function.

Allele frequency attached by ClinVar (database versions not stated): gnomAD exomes below 0.00001; TOPMed 0.00004.
gnomAD v4.1: 1 of 1,612,414 alleles (0.000062%); highest among the groups gnomAD compares: Non-Finnish European, 0.000085%; no homozygotes.

Submissions (3):

Ambry Genetics
Classification: Uncertain significance for Inborn genetic diseases. Last evaluated: 2024-07-01. Review status: criteria provided, single submitter. Criteria: Ambry Variant Classification Scheme 2023. Collection method: clinical testing. Allele origin: germline.
Comment: The c.1200+6G>A intronic alteration consists of a G to A substitution nucleotides after coding exon 13 in the ALDH7A1 gene. Based on insufficient or conflicting evidence, the clinical significance of this alteration remains unclear.

Labcorp Genetics (formerly Invitae), Labcorp
Classification: Uncertain significance for Pyridoxine-dependent epilepsy. Last evaluated: 2022-08-19. Review status: criteria provided, single submitter. Criteria: Invitae Variant Classification Sherloc (09022015). Collection method: clinical testing. Allele origin: germline.
Comment: This sequence change falls in intron 13 of the ALDH7A1 gene. It does not directly change the encoded amino acid sequence of the ALDH7A1 protein. It affects a nucleotide within the consensus splice site. This variant is not present in population databases (gnomAD no frequency). This variant has not been reported in the literature in individuals affected with ALDH7A1-related conditions. ClinVar contains an entry for this variant (Variation ID: 1241978). Variants that disrupt the consensus splice site are a relatively common cause of aberrant splicing (PMID: 17576681, 9536098). Algorithms developed to predict the effect of sequence changes on RNA splicing suggest that this variant is not likely to affect RNA splicing. In summary, the available evidence is currently insufficient to determine the role of this variant in disease. Therefore, it has been classified as a Variant of Uncertain Significance.

GeneDx
Classification: Benign. Last evaluated: 2015-09-04. Review status: criteria provided, single submitter. Criteria: GeneDx Variant Classification Process June 2021. Collection method: clinical testing. Allele origin: germline. Affected: yes.

Literature cited by the submitters: PubMed 17576681 (cited by Labcorp Genetics (formerly Invitae), Labcorp); PubMed 9536098 (cited by Labcorp Genetics (formerly Invitae), Labcorp).

NM_001182.5(ALDH7A1):c.1200+6G>A

Gene: ALDH7A1 (aldehyde dehydrogenase 7 family member A1; minus strand). Cytogenetic location: 5q23.2.
Variant type: single nucleotide variant.
Coding change: c.1200+6G>A on transcript NM_001182.5 (MANE Select); 6 bases into the intron after coding-DNA position 1200, G replaced by A.
Molecular consequence: intron variant.
Genome position (GRCh38, 1-based): chr5:126,554,281, C>T on the plus strand (G>A on the coding strand, the complement: ALDH7A1 is on the minus strand). VCF-style: chr5-126554281-C-T. GRCh37 (hg19) VCF-style: chr5-125889973-C-T.
Other names: c.1200+6G>A (NM_001182.4); c.1009-2144G>A (NM_001202404.2); c.1116+6G>A (NM_001201377.2).
Identifiers: ClinVar variation 1241978 (VCV001241978.5), dbSNP rs897504760, ClinGen allele CA126887547.
Genomic context (GRCh38, chr5:126,554,281, plus strand): 5'-CCTGCTTGTGTCTCAGGGAAAAGAAGGTTAAAAAGCTGTCACAATTGATCTCAGAGCATC[C>T]CTTACCTTGCCCCCATAGACCACTGTGCCACCTTCTTTCTTTGCTTCTTCCACTGCTCCA-3'